The following is an entry in ClinVar:

ClinVar aggregate classification (germline): Likely benign. Review status: criteria provided, multiple submitters, no conflicts (2 of 4 stars). 2 submissions from 2 submitters: Likely benign (2). Last evaluated 2023-03-27.

Allele frequency attached by ClinVar (database versions not stated): gnomAD 0.00003.
gnomAD v4.1: 51 of 1,613,850 alleles (0.0032%); highest among the groups gnomAD compares: Middle Eastern, 0.12%; no homozygotes.

Submissions (2):

Labcorp Genetics (formerly Invitae), Labcorp
Classification: Likely benign. Last evaluated: 2023-03-27. Review status: criteria provided, single submitter. Criteria: Invitae Variant Classification Sherloc (09022015). Collection method: clinical testing. Allele origin: germline.

CeGaT Center for Human Genetics Tuebingen
Classification: Likely benign. Last evaluated: 2022-09-01. Review status: criteria provided, single submitter. Criteria: CeGaT Center For Human Genetics Tuebingen Variant Classification Criteria Version 2. Collection method: clinical testing. Allele origin: germline. Affected: yes. Observed: 1 variant allele.
Comment: FAT1: BP4, BP7

NM_005245.4(FAT1):c.6234G>A (p.Ala2078=)

Gene: FAT1 (FAT atypical cadherin 1; minus strand). Cytogenetic location: 4q35.2.
Variant type: single nucleotide variant.
Coding change: c.6234G>A on transcript NM_005245.4 (MANE Select); coding-DNA position 6234, G replaced by A.
Protein change: p.Ala2078=; no amino-acid change (alanine 2078 retained).
Molecular consequence: synonymous variant.
Genome position (GRCh38, 1-based): chr4:186,620,352, C>T on the plus strand (G>A on the coding strand, the complement: FAT1 is on the minus strand). VCF-style: chr4-186620352-C-T. GRCh37 (hg19) VCF-style: chr4-187541506-C-T.
Identifiers: ClinVar variation 2655227 (VCV002655227.27), dbSNP rs750565880, ClinGen allele CA442894650.